The following is an entry in ClinVar:

ClinVar aggregate classification (germline): Uncertain significance. Review status: criteria provided, single submitter (1 of 4 stars). 3 submissions from 3 submitters: Uncertain significance (1). 2 of the submissions do not count toward it. Last evaluated 2024-02-24.

Conditions:
Dilated cardiomyopathy 1Y (CMD1Y). Identifiers: Orphanet 154, Orphanet 54260, MedGen C2678476, MONDO:0012744, OMIM 611878.
Hypertrophic cardiomyopathy. Also called: HYPERTROPHIC MYOCARDIOPATHY. Identifiers: Orphanet 217569, MedGen C0007194, MeSH D002312, MONDO:0005045, HP:0001639.

Submissions (3):

Labcorp Genetics (formerly Invitae), Labcorp
Classification: Uncertain significance for Hypertrophic cardiomyopathy. Last evaluated: 2024-02-24. Review status: criteria provided, single submitter. Criteria: Invitae Variant Classification Sherloc (09022015). Collection method: clinical testing. Allele origin: germline.
Comment: This sequence change replaces glutamic acid, which is acidic and polar, with lysine, which is basic and polar, at codon 40 of the TPM1 protein (p.Glu40Lys). This variant is not present in population databases (gnomAD no frequency). This missense change has been observed in individual(s) with dilated cardiomyopathy (PMID: 11273725). ClinVar contains an entry for this variant (Variation ID: 12459). An algorithm developed to predict the effect of missense changes on protein structure and function (PolyPhen-2) suggests that this variant is likely to be disruptive. Experimental studies have shown that this missense change affects TPM1 function (PMID: 15923195, 19222994, 21741356, 23539503, 32618513). In summary, the available evidence is currently insufficient to determine the role of this variant in disease. Therefore, it has been classified as a Variant of Uncertain Significance.

Leiden Muscular Dystrophy (TPM1)
No classification provided. Condition: Dilated cardiomyopathy 1Y. Last evaluated: 2012-04-15. Review status: no classification provided. Collection method: curation. Allele origin: germline. Not counted in ClinVar's aggregate classification.

OMIM
Classification: Pathogenic for CARDIOMYOPATHY, DILATED, 1Y. Last evaluated: 2001-04-01. Review status: no assertion criteria provided. Collection method: literature only. Allele origin: germline. Not counted in ClinVar's aggregate classification.

Literature cited by the submitters: PubMed 11273725 (cited by Labcorp Genetics (formerly Invitae), Labcorp and OMIM); PubMed 15923195 (cited by Labcorp Genetics (formerly Invitae), Labcorp); PubMed 19222994 (cited by Labcorp Genetics (formerly Invitae), Labcorp); PubMed 21741356 (cited by Labcorp Genetics (formerly Invitae), Labcorp); PubMed 23539503 (cited by Labcorp Genetics (formerly Invitae), Labcorp); PubMed 32618513 (cited by Labcorp Genetics (formerly Invitae), Labcorp).

NM_001018005.2(TPM1):c.118G>A (p.Glu40Lys)

Gene: TPM1 (tropomyosin 1; plus strand). Cytogenetic location: 15q22.2.
Variant type: single nucleotide variant.
Coding change: c.118G>A on transcript NM_001018005.2 (MANE Select); coding-DNA position 118, G replaced by A.
Protein change: p.Glu40Lys; replaces glutamic acid 40 with lysine.
Molecular consequence: missense variant. On other transcripts: intron variant (3).
Genome position (GRCh38, 1-based): chr15:63,044,030, G>A. VCF-style: chr15-63044030-G-A. GRCh37 (hg19) VCF-style: chr15-63336229-G-A.
Other names: c.118G>A, p.Glu40Lys (NM_000366.6, NM_001018004.2, NM_001018006.2 and 3 more transcripts); c.244G>A, p.Glu82Lys (NM_001365778.1); c.240+199G>A (NM_001018020.2, NM_001018007.2, NM_001301244.2); short protein forms E40K, E82K.
Identifiers: ClinVar variation 12459 (VCV000012459.8), dbSNP rs104894501, ClinGen allele CA018647.